The following is an entry in ClinVar:

ClinVar aggregate classification (germline): Pathogenic (1 of 4 stars; one submission).

Conditions:
Neuromuscular disease caused by qualitative or quantitative defects of dystrophin. Also called: Qualitative or quantitative defects of dystrophin. Identifiers: Orphanet 207085, MedGen C5679787, MONDO:0016147.

Submission:

Women's Health and Genetics/Laboratory Corporation of America, LabCorp
Classification: Pathogenic for Neuromuscular disease caused by qualitative or quantitative defects of dystrophin. Last evaluated: 2021-01-14. Review status: criteria provided, single submitter. Criteria: LabCorp Variant Classification Summary - May 2015. Collection method: clinical testing. Allele origin: germline.
Comment: Variant summary: The variant identified by MLPA or other technology involves the deletion of exons 6-17 in the DMD gene. A presumed nomenclature of c.(357+1_358-1)_(2168+1_2169-1)del has been designated for the purposes of this classification. Although exact breakpoints of this deletion are not known, it is expected to result in a frameshift deletion change in the DMD gene, a known mechanism of disease. The variant was absent in approximately 16120 control chromosomes (gnomAD, Structural Variants dataset). Deletion of exons 6-17 has been reported in the literature in individuals affected with Dystrophinopathies (e.g. Yuge_1999, Effat_2000, Zhong_2017). These data indicate that the variant is likely to be associated with disease. To our knowledge, no experimental evidence demonstrating an impact on protein function has been reported. No clinical diagnostic laboratories have submitted clinical-significance assessments for this variant to ClinVar after 2014. Based on the evidence outlined above, the variant was classified as pathogenic.

Literature cited by the submitters: PubMed 27750387; PubMed 11381192; PubMed 10465346.

NC_000023.10:g.(32536249_32563275)_(32834758_32841411)del

Gene: DMD (dystrophin; minus strand). Cytogenetic location: Xp21.1.
Variant type: Deletion.
Identifiers: ClinVar variation 996227 (VCV000996227.1).